The following is an entry in ClinVar:

NM_001291867.2(NHS):c.302_337dup (p.Glu101_Ala112dup)

Gene: NHS (NHS actin remodeling regulator; plus strand). Cytogenetic location: Xp22.2.
Variant type: Duplication.
Coding change: c.302_337dup on transcript NM_001291867.2 (MANE Select); coding-DNA positions 302 to 337, 36 bases duplicated.
Protein change: p.Glu101_Ala112dup.
Molecular consequence: inframe insertion.
Genome position (GRCh38, 1-based): chrX:17,376,059-17,376,094, 36 bases duplicated; duplicating any 36 consecutive bases within chrX:17,376,056-17,376,094 gives the same sequence; the c. name uses the placement nearest the transcript's 3' end. GRCh37 (hg19): chrX:17,394,182-17,394,217.
Other names: c.302_337dup, p.Glu101_Ala112dup (NM_198270.4); c.302_337dup (NM_198270.3); c.302_337dupAGGCGGCGCCCGCAGCCGGCGAGGCGTCCTCGGCGG (NM_198270.2).
Identifiers: ClinVar variation 96638 (VCV000096638.27), dbSNP rs398124607, ClinGen allele CA224373.

ClinVar aggregate classification (germline): Conflicting classifications of pathogenicity. Review status: criteria provided, conflicting classifications (1 of 4 stars). 8 submissions from 8 submitters: Uncertain significance (5); Likely benign (3). Last evaluated 2026-02-02.

Conditions:
Inborn genetic diseases. Identifiers: MedGen C0950123, MeSH D030342.
Nance-Horan syndrome (NHS). Identifiers: Orphanet 627, MedGen C0796085, MONDO:0010545, OMIM 302350.
Cataract 40 (CTRCT40). Also called: Cataract 40, X-linked; CATARACT 40 WITH OR WITHOUT MICROCORNEA; CATARACT, CONGENITAL TOTAL, WITH POSTERIOR SUTURAL OPACITIES IN HETEROZYGOTES. Identifiers: Orphanet 91492, MedGen C4049004, MONDO:0010544, OMIM 302200.

Submissions (8):

Labcorp Genetics (formerly Invitae), Labcorp
Classification: Uncertain significance for Nance-Horan syndrome. Last evaluated: 2026-02-02. Review status: criteria provided, single submitter. Criteria: Invitae Variant Classification Sherloc (09022015). Collection method: clinical testing. Allele origin: germline.
Comment: This variant, c.302_337dup, results in the insertion of 12 amino acid(s) of the NHS protein (p.Glu101_Ala112dup), but otherwise preserves the integrity of the reading frame. This variant is present in population databases (rs398124607, gnomAD 0.08%), and has an allele count higher than expected for a pathogenic variant. This variant has not been reported in the literature in individuals affected with NHS-related conditions. ClinVar contains an entry for this variant (Variation ID: 96638). Experimental studies and prediction algorithms are not available or were not evaluated, and the functional significance of this variant is currently unknown. In summary, the available evidence is currently insufficient to determine the role of this variant in disease. Therefore, it has been classified as a Variant of Uncertain Significance.

Laboratory of Genetics, Children's Clinical University Hospital Latvia
Classification: Likely benign. Last evaluated: 2025-02-16. Review status: criteria provided, single submitter. Criteria: ACMG Guidelines, 2015. Collection method: clinical testing. Allele origin: germline. Affected: yes.

Blueprint Genetics
Classification: Likely benign. Last evaluated: 2024-11-22. Review status: criteria provided, single submitter. Criteria: ACMG Guidelines, 2015. Collection method: clinical testing. Allele origin: germline.

GeneDx
Classification: Uncertain significance. Last evaluated: 2022-04-01. Review status: criteria provided, single submitter. Criteria: GeneDx Variant Classification Process June 2021. Collection method: clinical testing. Allele origin: germline. Affected: yes.
Comment: In-frame insertion of 12 amino acids in a non-repeat region; Has not been previously published as pathogenic or benign to our knowledge

Department of Pathology and Laboratory Medicine, Sinai Health System
Classification: Uncertain significance for Cataract 40; Nance-Horan syndrome. Last evaluated: 2021-07-30. Review status: criteria provided, single submitter. Criteria: ACMG Guidelines, 2015. Collection method: research. Allele origin: germline.

Ambry Genetics
Classification: Likely benign for Inborn genetic diseases. Last evaluated: 2018-11-09. Review status: criteria provided, single submitter. Criteria: Ambry Variant Classification Scheme 2023. Collection method: clinical testing. Allele origin: germline.

CeGaT Center for Human Genetics Tuebingen
Classification: Uncertain significance. Last evaluated: 2017-05-31. Review status: criteria provided, single submitter. Criteria: Praxis fuer Humangenetik Tuebingen - Variant Classification Criteria. Collection method: clinical testing. Allele origin: germline. Affected: yes. Observed: 1 variant allele.

Eurofins Ntd Llc (ga)
Classification: Uncertain significance. Last evaluated: 2014-11-03. Review status: criteria provided, single submitter. Criteria: EGL Classification Definitions. Collection method: clinical testing. Allele origin: germline. Observed: 3 variant alleles, 3 hemizygotes.

Literature cited by the submitters: PubMed 23757202 (cited by Eurofins Ntd Llc (ga)).